The following is an entry in ClinVar:

ClinVar aggregate classification (germline): Uncertain significance. Review status: criteria provided, multiple submitters, no conflicts (2 of 4 stars). 2 submissions from 2 submitters: Uncertain significance (2). Last evaluated 2024-06-17.

Conditions:
Autosomal dominant Parkinson disease 8. Also called: Parkinson disease 8, susceptibility to; LRRK2-Related Parkinson Disease; Parkinson disease 8. Identifiers: Orphanet 411602, MedGen C1846862, MONDO:0011764, OMIM 607060.

Allele frequency attached by ClinVar (database versions not stated): gnomAD exomes below 0.00001; ExAC 0.00001; gnomAD 0.00001; TOPMed 0.00002.
gnomAD v4.1: 9 of 1,613,932 alleles (0.00056%); highest among the groups gnomAD compares: Non-Finnish European, 0.00059%; no homozygotes.

Submissions (2):

Labcorp Genetics (formerly Invitae), Labcorp
Classification: Uncertain significance for Autosomal dominant Parkinson disease 8. Last evaluated: 2024-06-17. Review status: criteria provided, single submitter. Criteria: Invitae Variant Classification Sherloc (09022015). Collection method: clinical testing. Allele origin: germline.
Comment: This sequence change replaces valine, which is neutral and non-polar, with methionine, which is neutral and non-polar, at codon 1373 of the LRRK2 protein (p.Val1373Met). This variant is present in population databases (rs756381499, gnomAD 0.0009%). This missense change has been observed in individual(s) with Parkinson disease (PMID: 23726462). ClinVar contains an entry for this variant (Variation ID: 1388424). Advanced modeling of protein sequence and biophysical properties (such as structural, functional, and spatial information, amino acid conservation, physicochemical variation, residue mobility, and thermodynamic stability) has been performed at Invitae for this missense variant, however the output from this modeling did not meet the statistical confidence thresholds required to predict the impact of this variant on LRRK2 protein function. In summary, the available evidence is currently insufficient to determine the role of this variant in disease. Therefore, it has been classified as a Variant of Uncertain Significance.

Fulgent Genetics
Classification: Uncertain significance for Autosomal dominant Parkinson disease 8. Last evaluated: 2022-02-03. Review status: criteria provided, single submitter. Criteria: ACMG Guidelines, 2015. Collection method: clinical testing. Allele origin: unknown.

Literature cited by the submitters: PubMed 23726462 (cited by Labcorp Genetics (formerly Invitae), Labcorp).

NM_198578.4(LRRK2):c.4117G>A (p.Val1373Met)

Gene: LRRK2 (leucine rich repeat kinase 2; plus strand). Cytogenetic location: 12q12.
Variant type: single nucleotide variant.
Coding change: c.4117G>A on transcript NM_198578.4 (MANE Select); coding-DNA position 4117, G replaced by A.
Protein change: p.Val1373Met; replaces valine 1373 with methionine.
Molecular consequence: missense variant.
Genome position (GRCh38, 1-based): chr12:40,308,624, G>A. VCF-style: chr12-40308624-G-A. GRCh37 (hg19) VCF-style: chr12-40702426-G-A.
Other names: short protein forms V1373M.
Identifiers: ClinVar variation 1388424 (VCV001388424.7), dbSNP rs756381499, ClinGen allele CA6514080.
Genomic context (GRCh38, chr12:40,308,624, plus strand): 5'-CAATTAATGAAAACCAAGAAATCAGATCTTGGAATGCAAAGTGCCACAGTTGGCATAGAT[G>A]TGAAAGACTGGCCTATCCAAATAAGAGACAAAAGAAAGAGAGATCTCGTCCTAAATGTGT-3'
Protein context (NP_940980.4, residues 1363-1383): GMQSATVGID[Val1373Met]KDWPIQIRDK